The following is an entry in ClinVar:

NM_001206744.2(TPO):c.1235G>A (p.Arg412His)

Gene: TPO (thyroid peroxidase; plus strand). Cytogenetic location: 2p25.3.
Variant type: single nucleotide variant.
Coding change: c.1235G>A on transcript NM_001206744.2 (MANE Select); coding-DNA position 1235, G replaced by A.
Protein change: p.Arg412His; replaces arginine 412 with histidine.
Molecular consequence: missense variant. On other transcripts: intron variant (1).
Genome position (GRCh38, 1-based): chr2:1,477,501, G>A. VCF-style: chr2-1477501-G-A. GRCh37 (hg19) VCF-style: chr2-1481273-G-A.
Other names: c.1235G>A, p.Arg412His (NM_000547.6, NM_001206745.2, NM_175719.4 and 1 more transcripts); c.820-7095G>A (NM_175722.3); short protein forms R412H.
Identifiers: ClinVar variation 4537011 (VCV004537011.1).
Genomic context (GRCh38, chr2:1,477,501, plus strand): 5'-CCGGAGACGGCCGCGCCAGCGAGGTCCCCTCCCTGACGGCACTGCACACGCTGTGGCTGC[G>A]CGAGCACAACCGCCTGGCCGCGGCGCTCAAGGCCCTCAATGCGCACTGGAGCGCGGACGC-3'
Protein context (NP_001193673.1, residues 402-422): SLTALHTLWL[Arg412His]EHNRLAAALK

ClinVar aggregate classification (germline): Likely pathogenic (1 of 4 stars; one submission).

Conditions:
Deficiency of iodide peroxidase (TDH2A). Also called: HYPOTHYROIDISM, CONGENITAL, DUE TO DYSHORMONOGENESIS, 2A; IODIDE PEROXIDASE DEFICIENCY; THYROID HORMONOGENESIS, GENETIC DEFECT IN, 2A; THYROID PEROXIDASE DEFICIENCY; Thyroid dyshormonogenesis 2A. Identifiers: Orphanet 95716, MedGen C1291299, MONDO:0010133, OMIM 274500.

gnomAD v4.1: 4 of 1,531,570 alleles (0.00026%); highest among the groups gnomAD compares: African/African-American, 0.0014%; no homozygotes.

Submission:

Women's Health and Genetics/Laboratory Corporation of America, LabCorp
Classification: Likely pathogenic for Deficiency of iodide peroxidase. Last evaluated: 2025-11-06. Review status: criteria provided, single submitter. Criteria: LabCorp Variant Classification Summary - May 2015. Collection method: clinical testing. Allele origin: germline.
Comment: Variant summary: TPO c.1235G>A (p.Arg412His) results in a non-conservative amino acid change in the encoded protein sequence. Algorithms developed to predict the effect of missense changes on protein structure and function all suggest that this variant is likely to be disruptive. The variant was absent in 126526 control chromosomes. c.1235G>A has been observed as a homozygous genotype in two siblings from a single consanguineous family affected with features of Deficiency Of Iodide Peroxidase (example, Mittal_2016). These data indicate that the variant is likely to be associated with disease. To our knowledge, no experimental evidence demonstrating an impact on protein function has been reported. The following publications have been ascertained in the context of this evaluation (PMID: 27305979, 35507000). No submitters have cited clinical-significance assessments for this variant to ClinVar. Based on the evidence outlined above, the variant was classified as likely pathogenic.

Literature cited by the submitters: PubMed 27305979; PubMed 35507000.